The following is an entry in ClinVar:

ClinVar aggregate classification (germline): Uncertain significance (1 of 4 stars; one submission).

Conditions:
Mosaic variegated aneuploidy syndrome 2 (MVA2). Identifiers: Orphanet 1052, MedGen C3279843, MONDO:0013582, OMIM 614114.

Allele frequency attached by ClinVar (database versions not stated): gnomAD exomes below 0.00001 and 0.00001; ExAC 0.00002.
gnomAD v4.1: 3 of 1,614,032 alleles (0.00019%); highest among the groups gnomAD compares: Non-Finnish European, 0.00017%; no homozygotes.

Submission:

Labcorp Genetics (formerly Invitae), Labcorp
Classification: Uncertain significance for Mosaic variegated aneuploidy syndrome 2. Last evaluated: 2020-02-25. Review status: criteria provided, single submitter. Criteria: Invitae Variant Classification Sherloc (09022015). Collection method: clinical testing. Allele origin: germline.
Comment: This sequence change replaces alanine with threonine at codon 403 of the CEP57 protein (p.Ala403Thr). The alanine residue is highly conserved and there is a small physicochemical difference between alanine and threonine. This variant is present in population databases (rs752448256, ExAC 0.003%). This variant has not been reported in the literature in individuals with CEP57-related conditions. Algorithms developed to predict the effect of missense changes on protein structure and function output the following: SIFT: "Tolerated"; PolyPhen-2: "Benign"; Align-GVGD: "Class C0". The threonine amino acid residue is found in multiple mammalian species, suggesting that this missense change does not adversely affect protein function. These predictions have not been confirmed by published functional studies and their clinical significance is uncertain. In summary, the available evidence is currently insufficient to determine the role of this variant in disease. Therefore, it has been classified as a Variant of Uncertain Significance.

NM_014679.5(CEP57):c.1207G>A (p.Ala403Thr)

Gene: CEP57 (centrosomal protein 57; plus strand). Cytogenetic location: 11q21.
Variant type: single nucleotide variant.
Coding change: c.1207G>A on transcript NM_014679.5 (MANE Select); coding-DNA position 1207, G replaced by A.
Protein change: p.Ala403Thr; replaces alanine 403 with threonine.
Molecular consequence: missense variant.
Genome position (GRCh38, 1-based): chr11:95,829,266, G>A. VCF-style: chr11-95829266-G-A. GRCh37 (hg19) VCF-style: chr11-95562430-G-A.
Other names: c.1180G>A, p.Ala394Thr (NM_001243776.2); c.1129G>A, p.Ala377Thr (NM_001243777.2); c.1126G>A, p.Ala376Thr (NM_001363604.2); short protein forms A376T, A377T, A394T, A403T.
Identifiers: ClinVar variation 1010988 (VCV001010988.8), dbSNP rs752448256, ClinGen allele CA6239736.